The following is an entry in ClinVar:

NM_018010.4(IFT57):c.359C>G (p.Ser120Cys)

Gene: IFT57 (intraflagellar transport 57; minus strand). Cytogenetic location: 3q13.13.
Variant type: single nucleotide variant.
Coding change: c.359C>G on transcript NM_018010.4 (MANE Select); coding-DNA position 359, C replaced by G.
Protein change: p.Ser120Cys; replaces serine 120 with cysteine.
Molecular consequence: missense variant.
Genome position (GRCh38, 1-based): chr3:108,219,426, G>C on the plus strand (C>G on the coding strand, the complement: IFT57 is on the minus strand). VCF-style: chr3-108219426-G-C. GRCh37 (hg19) VCF-style: chr3-107938273-G-C.
Other names: c.359C>G (NM_018010.3); short protein forms S120C.
Identifiers: ClinVar variation 1379103 (VCV001379103.7), dbSNP rs760991394, ClinGen allele CA2526755.

ClinVar aggregate classification (germline): Uncertain significance. Review status: criteria provided, multiple submitters, no conflicts (2 of 4 stars). 2 submissions from 2 submitters: Uncertain significance (2). Last evaluated 2025-04-12.

Allele frequency attached by ClinVar (database versions not stated): gnomAD exomes below 0.00001 and 0.00001; ExAC 0.00002; gnomAD 0.00002; TOPMed 0.00004.
gnomAD v4.1: 8 of 1,613,538 alleles (0.0005%); highest among the groups gnomAD compares: Admixed American, 0.0067%; no homozygotes.

Submissions (2):

Ambry Genetics
Classification: Uncertain significance. Last evaluated: 2025-04-12. Review status: criteria provided, single submitter. Criteria: Ambry Variant Classification Scheme 2023. Collection method: clinical testing. Allele origin: germline.

Labcorp Genetics (formerly Invitae), Labcorp
Classification: Uncertain significance. Last evaluated: 2023-04-22. Review status: criteria provided, single submitter. Criteria: Invitae Variant Classification Sherloc (09022015). Collection method: clinical testing. Allele origin: germline.
Comment: ClinVar contains an entry for this variant (Variation ID: 1379103). In summary, the available evidence is currently insufficient to determine the role of this variant in disease. Therefore, it has been classified as a Variant of Uncertain Significance. An algorithm developed to predict the effect of missense changes on protein structure and function (PolyPhen-2) suggests that this variant is likely to be disruptive. This variant has not been reported in the literature in individuals affected with IFT57-related conditions. This variant is present in population databases (rs760991394, gnomAD 0.006%). This sequence change replaces serine, which is neutral and polar, with cysteine, which is neutral and slightly polar, at codon 120 of the IFT57 protein (p.Ser120Cys).